The following is an entry in ClinVar:

NM_000482.4(APOA4):c.1120G>A (p.Glu374Lys)

Gene: APOA4 (apolipoprotein A4; minus strand). Cytogenetic location: 11q23.3.
Variant type: single nucleotide variant.
Coding change: c.1120G>A on transcript NM_000482.4 (MANE Select); coding-DNA position 1120, G replaced by A.
Protein change: p.Glu374Lys; replaces glutamic acid 374 with lysine.
Molecular consequence: missense variant.
Genome position (GRCh38, 1-based): chr11:116,820,938, C>T on the plus strand (G>A on the coding strand, the complement: APOA4 is on the minus strand). VCF-style: chr11-116820938-C-T. GRCh37 (hg19) VCF-style: chr11-116691654-C-T.
Other names: short protein forms E374K.
Identifiers: ClinVar variation 3004866 (VCV003004866.3), dbSNP rs2540266502, ClinGen allele CA382698793.
Genomic context (GRCh38, chr11:116,820,938, plus strand): 5'-AAGGGGCCAGCATCTGCACCTGCTCCTGCTGCTGCTCCTGCTGCTGTTCCTGCTGTTGCT[C>T]CAGCTCAGGGAGGGAGAGAGTCTTGTCCTGGCTCTCTTTCTCCTTGAAGGTGCTGAAGAA-3'
Protein context (NP_000473.2, residues 364-384): QDKTLSLPEL[Glu374Lys]QQQEQQQEQQ

ClinVar aggregate classification (germline): Uncertain significance (1 of 4 stars; one submission).

Allele frequency attached by ClinVar (database versions not stated): gnomAD exomes below 0.00001.

Submission:

Labcorp Genetics (formerly Invitae), Labcorp
Classification: Uncertain significance. Last evaluated: 2024-01-23. Review status: criteria provided, single submitter. Criteria: Invitae Variant Classification Sherloc (09022015). Collection method: clinical testing. Allele origin: germline.
Comment: This sequence change replaces glutamic acid, which is acidic and polar, with lysine, which is basic and polar, at codon 374 of the APOA4 protein (p.Glu374Lys). This variant is not present in population databases (gnomAD no frequency). This variant has not been reported in the literature in individuals affected with APOA4-related conditions. An algorithm developed to predict the effect of missense changes on protein structure and function (PolyPhen-2) suggests that this variant is likely to be tolerated. In summary, the available evidence is currently insufficient to determine the role of this variant in disease. Therefore, it has been classified as a Variant of Uncertain Significance.